The following is an entry in ClinVar:

NM_005529.7(HSPG2):c.7919C>T (p.Thr2640Met)

Gene: HSPG2 (heparan sulfate proteoglycan 2; minus strand). Cytogenetic location: 1p36.12.
Variant type: single nucleotide variant.
Coding change: c.7919C>T on transcript NM_005529.7 (MANE Select); coding-DNA position 7919, C replaced by T.
Protein change: p.Thr2640Met; replaces threonine 2640 with methionine.
Molecular consequence: missense variant.
Genome position (GRCh38, 1-based): chr1:21,847,795, G>A on the plus strand (C>T on the coding strand, the complement: HSPG2 is on the minus strand). VCF-style: chr1-21847795-G-A. GRCh37 (hg19) VCF-style: chr1-22174288-G-A.
Other names: c.7922C>T, p.Thr2641Met (NM_001291860.2); c.7919C>T (NM_005529.5); short protein forms T2640M, T2641M.
Identifiers: ClinVar variation 1983686 (VCV001983686.8), dbSNP rs374605446, ClinGen allele CA670997.

ClinVar aggregate classification (germline): Uncertain significance. Review status: criteria provided, multiple submitters, no conflicts (2 of 4 stars). 3 submissions from 3 submitters: Uncertain significance (3). Last evaluated 2024-09-09.

Conditions:
Inborn genetic diseases. Identifiers: MedGen C0950123, MeSH D030342.

Allele frequency attached by ClinVar (database versions not stated): gnomAD 0.00001; gnomAD exomes 0.00001; ExAC 0.00002; ESP Exome Variant Server 0.00008.
gnomAD v4.1: 20 of 1,613,706 alleles (0.0012%); highest among the groups gnomAD compares: South Asian, 0.0066%; 1 homozygote.

Submissions (3):

Ambry Genetics
Classification: Uncertain significance for Inborn genetic diseases. Last evaluated: 2024-09-09. Review status: criteria provided, single submitter. Criteria: Ambry Variant Classification Scheme 2023. Collection method: clinical testing. Allele origin: germline.

Labcorp Genetics (formerly Invitae), Labcorp
Classification: Uncertain significance. Last evaluated: 2022-07-25. Review status: criteria provided, single submitter. Criteria: Invitae Variant Classification Sherloc (09022015). Collection method: clinical testing. Allele origin: germline.
Comment: In summary, the available evidence is currently insufficient to determine the role of this variant in disease. Therefore, it has been classified as a Variant of Uncertain Significance. Algorithms developed to predict the effect of missense changes on protein structure and function output the following: SIFT: "Deleterious"; PolyPhen-2: "Benign"; Align-GVGD: "Class C0". The methionine amino acid residue is found in multiple mammalian species, which suggests that this missense change does not adversely affect protein function. This variant has not been reported in the literature in individuals affected with HSPG2-related conditions. This variant is present in population databases (rs374605446, gnomAD 0.007%), including at least one homozygous and/or hemizygous individual. This sequence change replaces threonine, which is neutral and polar, with methionine, which is neutral and non-polar, at codon 2640 of the HSPG2 protein (p.Thr2640Met).

Revvity Omics, Revvity
Classification: Uncertain significance. Last evaluated: 2019-01-17. Review status: criteria provided, single submitter. Criteria: ACMG Guidelines, 2015. Collection method: clinical testing. Allele origin: germline.